The following is an entry in ClinVar:

NM_001130987.2(DYSF):c.5383C>T (p.Gln1795Ter)

Gene: DYSF (dysferlin; plus strand). Cytogenetic location: 2p13.2.
Variant type: single nucleotide variant.
Coding change: c.5383C>T on transcript NM_001130987.2 (MANE Select); coding-DNA position 5383, C replaced by T.
Protein change: p.Gln1795Ter; replaces glutamine 1795 with a stop codon.
Molecular consequence: nonsense.
Genome position (GRCh38, 1-based): chr2:71,667,441, C>T. VCF-style: chr2-71667441-C-T. GRCh37 (hg19) VCF-style: chr2-71894571-C-T.
Other names: c.5269C>T, p.Gln1757Ter (NM_001130455.2); c.5224C>T, p.Gln1742Ter (NM_001130976.2); c.5287C>T, p.Gln1763Ter (NM_001130977.2); c.5329C>T, p.Gln1777Ter (NM_001130978.2); c.5359C>T, p.Gln1787Ter (NM_001130979.2); c.5317C>T, p.Gln1773Ter (NM_001130980.2); c.5380C>T, p.Gln1794Ter (NM_001130981.2); c.5362C>T, p.Gln1788Ter (NM_001130982.2); and 5 more; short protein forms Q1756*, Q1795*, Q1764*, Q1778*, Q1787*, Q1794*, Q1757*, Q1773*.
Identifiers: ClinVar variation 167026 (VCV000167026.13), dbSNP rs727503912, ClinGen allele CA233939.

ClinVar aggregate classification (germline): Pathogenic. Review status: criteria provided, multiple submitters, no conflicts (2 of 4 stars). 4 submissions from 4 submitters: Pathogenic (4). Last evaluated 2023-10-19.

Conditions:
Neuromuscular disease caused by qualitative or quantitative defects of dysferlin. Also called: Qualitative or quantitative defects of dysferlin; Dysferlinopathy. Identifiers: Orphanet 207073, MedGen C2931687, MONDO:0016145.
Miyoshi muscular dystrophy 1 (MMD1). Identifiers: Orphanet 45448, MedGen C4551973, MONDO:0024545, OMIM 254130.

Allele frequency attached by ClinVar (database versions not stated): gnomAD exomes below 0.00001.
gnomAD v4.1: 1 of 1,614,140 alleles (0.000062%); highest among the groups gnomAD compares: East Asian, 0.0022%; no homozygotes.

Submissions (4):

Baylor Genetics
Classification: Pathogenic for Miyoshi muscular dystrophy 1. Last evaluated: 2023-10-19. Review status: criteria provided, single submitter. Criteria: ACMG Guidelines, 2015. Collection method: clinical testing. Allele origin: unknown.

Labcorp Genetics (formerly Invitae), Labcorp
Classification: Pathogenic for Neuromuscular disease caused by qualitative or quantitative defects of dysferlin. Last evaluated: 2023-10-16. Review status: criteria provided, single submitter. Criteria: Invitae Variant Classification Sherloc (09022015). Collection method: clinical testing. Allele origin: germline.
Comment: This sequence change creates a premature translational stop signal (p.Gln1756*) in the DYSF gene. It is expected to result in an absent or disrupted protein product. Loss-of-function variants in DYSF are known to be pathogenic (PMID: 17698709, 20301480). This variant is not present in population databases (gnomAD no frequency). This premature translational stop signal has been observed in individual(s) with clinical features of dysferlinopathy and/or Miyoshi myopathy (PMID: 32400077, 33348118). ClinVar contains an entry for this variant (Variation ID: 167026). For these reasons, this variant has been classified as Pathogenic.

Athena Diagnostics
Classification: Pathogenic. Last evaluated: 2017-02-20. Review status: criteria provided, single submitter. Criteria: Athena Diagnostics Criteria. Collection method: clinical testing. Allele origin: germline.

Eurofins Ntd Llc (ga)
Classification: Pathogenic. Last evaluated: 2013-11-27. Review status: criteria provided, single submitter. Criteria: EGL Classification Definitions. Collection method: clinical testing. Allele origin: germline. Observed: 2 variant alleles, 2 heterozygotes.

Literature cited by the submitters: PubMed 17698709 (cited by Labcorp Genetics (formerly Invitae), Labcorp); PubMed 20301480 (cited by Labcorp Genetics (formerly Invitae), Labcorp); PubMed 32400077 (cited by Labcorp Genetics (formerly Invitae), Labcorp); PubMed 33348118 (cited by Labcorp Genetics (formerly Invitae), Labcorp).